The following is an entry in ClinVar:

ClinVar aggregate classification (germline): Likely pathogenic (1 of 4 stars; one submission).

gnomAD v4.1: 1 of 1,614,212 alleles (0.000062%); highest among the groups gnomAD compares: Non-Finnish European, 0.000085%; no homozygotes.

Submission:

Dasa
Classification: Likely pathogenic. Last evaluated: 2025-08-02. Review status: criteria provided, single submitter. Criteria: DASA Assertion Criteria. Collection method: clinical testing. Allele origin: germline.
Comment: NM_007315.4(STAT1):c.1489C>T (p.Gln497*) is a nonsense variant in STAT1 predicted to introduce a premature termination codon and is predicted to result in an absent or altered protein product. Loss of function is an established disease mechanism for STAT1-associated disorders. Also, this variant is rare in population databases. Based on the currently available evidence, this variant is classified as likely pathogenic.

NM_007315.4(STAT1):c.1489C>T (p.Gln497Ter)

Gene: STAT1 (signal transducer and activator of transcription 1; minus strand). Cytogenetic location: 2q32.2.
Variant type: single nucleotide variant.
Coding change: c.1489C>T on transcript NM_007315.4 (MANE Select); coding-DNA position 1489, C replaced by T.
Protein change: p.Gln497Ter; replaces glutamine 497 with a stop codon.
Molecular consequence: nonsense.
Genome position (GRCh38, 1-based): chr2:190,982,476, G>A on the plus strand (C>T on the coding strand, the complement: STAT1 is on the minus strand). VCF-style: chr2-190982476-G-A. GRCh37 (hg19) VCF-style: chr2-191847202-G-A.
Other names: c.1429C>T, p.Gln477Ter (NM_001384880.1); c.1525C>T, p.Gln509Ter (NM_001384891.1); c.1489C>T, p.Gln497Ter (NM_001437284.1, NM_139266.3, NM_001384886.1 and 1 more transcripts); c.1495C>T, p.Gln499Ter (NM_001384881.1, NM_001384884.1); c.1483C>T, p.Gln495Ter (NM_001384882.1); c.1390C>T, p.Gln464Ter (NM_001384883.1); c.1330C>T, p.Gln444Ter (NM_001384885.1); c.1396C>T, p.Gln466Ter (NM_001384887.1); and 2 more; short protein forms Q444*, Q464*, Q466*, Q467*, Q477*, Q487*, Q495*, Q497*.
Identifiers: ClinVar variation 4885412 (VCV004885412.2).